The following is an entry in ClinVar:

NM_000540.3(RYR1):c.4651G>A (p.Val1551Ile)

Gene: RYR1 (ryanodine receptor 1; plus strand). Cytogenetic location: 19q13.2.
Variant type: single nucleotide variant.
Coding change: c.4651G>A on transcript NM_000540.3 (MANE Select); coding-DNA position 4651, G replaced by A.
Protein change: p.Val1551Ile; replaces valine 1551 with isoleucine.
Molecular consequence: missense variant.
Genome position (GRCh38, 1-based): chr19:38,483,057, G>A. VCF-style: chr19-38483057-G-A. GRCh37 (hg19) VCF-style: chr19-38973697-G-A.
Other names: c.4651G>A, p.Val1551Ile (NM_001042723.2); short protein forms V1551I.
Identifiers: ClinVar variation 2059912 (VCV002059912.2), dbSNP rs769874379, ClinGen allele CA066339.

ClinVar aggregate classification (germline): Uncertain significance. Review status: criteria provided, multiple submitters, no conflicts (2 of 4 stars). 2 submissions from 2 submitters: Uncertain significance (2). Last evaluated 2023-04-27.

Conditions:
Malignant hyperthermia, susceptibility to, 1 (MHS1). Also called: Anesthesia related hyperthermia; Malignant hyperpyrexia; Fulminating hyperpyrexia; Pharmacogenic myopathy; RYR1-Related Malignant Hyperthermia Susceptibility; Malignant hyperthermia suceptibility 1. Identifiers: Orphanet 423, MedGen C2930980, MONDO:0007783, OMIM 145600.
RYR1-related disorder. Also called: RYR1-related condition; RYR1-related disorders. Identifiers: MedGen CN239331.

Allele frequency attached by ClinVar (database versions not stated): ExAC 0.00002; gnomAD exomes 0.00002.

Submissions (2):

All of Us Research Program, National Institutes of Health
Classification: Uncertain significance for Malignant hyperthermia, susceptibility to, 1. Last evaluated: 2023-04-27. Review status: criteria provided, single submitter. Criteria: ACMG Guidelines, 2015. Collection method: clinical testing. Allele origin: germline. Inheritance: Autosomal dominant inheritance. Observed: 1 variant allele, 1 heterozygote.
Comment: This study involves interpretation of variants in research participants for the purpose of population health screening. Participant phenotype was not available at the time of variant classification. Additional details can be found in publication PMID: 35346344, PMCID: PMC8962531

Labcorp Genetics (formerly Invitae), Labcorp
Classification: Uncertain significance for RYR1-related disorder. Last evaluated: 2022-06-09. Review status: criteria provided, single submitter. Criteria: Invitae Variant Classification Sherloc (09022015). Collection method: clinical testing. Allele origin: germline.
Comment: This sequence change replaces valine, which is neutral and non-polar, with isoleucine, which is neutral and non-polar, at codon 1551 of the RYR1 protein (p.Val1551Ile). This variant is present in population databases (rs769874379, gnomAD 0.01%). This variant has not been reported in the literature in individuals affected with RYR1-related conditions. Advanced modeling of protein sequence and biophysical properties (such as structural, functional, and spatial information, amino acid conservation, physicochemical variation, residue mobility, and thermodynamic stability) performed at Invitae indicates that this missense variant is not expected to disrupt RYR1 protein function. In summary, the available evidence is currently insufficient to determine the role of this variant in disease. Therefore, it has been classified as a Variant of Uncertain Significance.